The following is an entry in ClinVar:

NM_182914.3(SYNE2):c.7310A>G (p.Asn2437Ser)

Gene: SYNE2 (spectrin repeat containing nuclear envelope protein 2; plus strand). Cytogenetic location: 14q23.2.
Variant type: single nucleotide variant.
Coding change: c.7310A>G on transcript NM_182914.3 (MANE Select); coding-DNA position 7310, A replaced by G.
Protein change: p.Asn2437Ser; replaces asparagine 2437 with serine.
Molecular consequence: missense variant.
Genome position (GRCh38, 1-based): chr14:64,048,088, A>G. VCF-style: chr14-64048088-A-G. GRCh37 (hg19) VCF-style: chr14-64514806-A-G.
Other names: c.7310A>G, p.Asn2437Ser (NM_015180.6); short protein forms N2437S.
Identifiers: ClinVar variation 571942 (VCV000571942.18), dbSNP rs373880647, ClinGen allele CA7220896.
Genomic context (GRCh38, chr14:64,048,088, plus strand): 5'-AACAACTTTCTCTTAATGCTCAAGAAAGCATGAAAAACACTGAAGATGAGCGGAAAGTCA[A>G]TGAGCTGCAAAATCAACCTTTAGAATTAGATACTATGTTAAGAAATGAACAATTAGAAGA-3'
Protein context (NP_878918.2, residues 2427-2447): MKNTEDERKV[Asn2437Ser]ELQNQPLELD

ClinVar aggregate classification (germline): Conflicting classifications of pathogenicity. Review status: criteria provided, conflicting classifications (1 of 4 stars). 4 submissions from 4 submitters: Uncertain significance (3); Likely benign (1). Last evaluated 2025-10-06.

Conditions:
Emery-Dreifuss muscular dystrophy 5, autosomal dominant (EDMD5). Also called: EMERY-DREIFUSS MUSCULAR DYSTROPHY 5. Identifiers: Orphanet 261, MedGen C2751805, MONDO:0013072, OMIM 612999.

Allele frequency attached by ClinVar (database versions not stated): gnomAD exomes 0.00002 and 0.00004; ExAC 0.00004; ESP Exome Variant Server 0.00008; gnomAD 0.00013 and 0.00014; TOPMed 0.00015.
gnomAD v4.1: 49 of 1,613,688 alleles (0.003%); highest among the groups gnomAD compares: African/African-American, 0.033%; no homozygotes.

Submissions (4):

Labcorp Genetics (formerly Invitae), Labcorp
Classification: Uncertain significance for Emery-Dreifuss muscular dystrophy 5, autosomal dominant. Last evaluated: 2025-10-06. Review status: criteria provided, single submitter. Criteria: Invitae Variant Classification Sherloc (09022015). Collection method: clinical testing. Allele origin: germline.
Comment: This sequence change replaces asparagine, which is neutral and polar, with serine, which is neutral and polar, at codon 2437 of the SYNE2 protein (p.Asn2437Ser). This variant is present in population databases (rs373880647, gnomAD 0.03%). This variant has not been reported in the literature in individuals affected with SYNE2-related conditions. ClinVar contains an entry for this variant (Variation ID: 571942). An algorithm developed to predict the effect of missense changes on protein structure and function outputs the following: PolyPhen-2: "Possibly Damaging". The serine amino acid residue is found in multiple mammalian species, which suggests that this missense change does not adversely affect protein function. In summary, the available evidence is currently insufficient to determine the role of this variant in disease. Therefore, it has been classified as a Variant of Uncertain Significance.

Ambry Genetics
Classification: Uncertain significance. Last evaluated: 2024-12-24. Review status: criteria provided, single submitter. Criteria: Ambry Variant Classification Scheme 2023. Collection method: clinical testing. Allele origin: germline.

Revvity Omics, Revvity
Classification: Uncertain significance for Emery-Dreifuss muscular dystrophy 5, autosomal dominant. Last evaluated: 2019-04-11. Review status: criteria provided, single submitter. Criteria: ACMG Guidelines, 2015. Collection method: clinical testing. Allele origin: germline.

Illumina Laboratory Services, Illumina
Classification: Likely benign for Emery-Dreifuss muscular dystrophy 5, autosomal dominant. Last evaluated: 2018-01-12. Review status: criteria provided, single submitter. Criteria: ICSL Variant Classification Criteria 13 December 2019. Collection method: clinical testing. Allele origin: germline.
Comment: This variant was observed in the ICSL laboratory as part of a predisposition screen in an ostensibly healthy population. It had not been previously curated by ICSL or reported in the Human Gene Mutation Database (HGMD: prior to June 1st, 2018), and was therefore a candidate for classification through an automated scoring system. Utilizing variant allele frequency, disease prevalence and penetrance estimates, and inheritance mode, an automated score was calculated to assess if this variant is too frequent to cause the disease. Based on the score and internal cut-off values, a variant classified as likely benign is not then subjected to further curation. The score for this variant resulted in a classification of likely benign for this disease.